The following is an entry in ClinVar:

ClinVar aggregate classification (germline): Uncertain significance (1 of 4 stars; one submission).

Conditions:
Supravalvar aortic stenosis (SVAS). Also called: Supravalvar aortic stenosis, Eisenberg type. Identifiers: Orphanet 3193, MedGen C0003499, MONDO:0008504, OMIM 185500, HP:0004381.

Allele frequency attached by ClinVar (database versions not stated): gnomAD exomes below 0.00001.
gnomAD v4.1: 2 of 1,613,978 alleles (0.00012%); highest among the groups gnomAD compares: South Asian, 0.0022%; no homozygotes.

Submission:

Labcorp Genetics (formerly Invitae), Labcorp
Classification: Uncertain significance for Supravalvar aortic stenosis. Last evaluated: 2026-01-20. Review status: criteria provided, single submitter. Criteria: Invitae Variant Classification Sherloc (09022015). Collection method: clinical testing. Allele origin: germline.
Comment: This sequence change replaces glycine, which is neutral and non-polar, with serine, which is neutral and polar, at codon 345 of the ELN protein (p.Gly345Ser). This variant is not present in population databases (gnomAD no frequency). This variant has not been reported in the literature in individuals affected with ELN-related conditions. ClinVar contains an entry for this variant (Variation ID: 1393359). Invitae Evidence Modeling of protein sequence and biophysical properties (such as structural, functional, and spatial information, amino acid conservation, physicochemical variation, residue mobility, and thermodynamic stability) indicates that this missense variant is not expected to disrupt ELN protein function with a negative predictive value of 80%. In summary, the available evidence is currently insufficient to determine the role of this variant in disease. Therefore, it has been classified as a Variant of Uncertain Significance.

NM_000501.4(ELN):c.1033G>A (p.Gly345Ser)

Gene: ELN (elastin; plus strand). Cytogenetic location: 7q11.23.
Variant type: single nucleotide variant.
Coding change: c.1033G>A on transcript NM_000501.4 (MANE Select); coding-DNA position 1033, G replaced by A.
Protein change: p.Gly345Ser; replaces glycine 345 with serine.
Molecular consequence: missense variant.
Genome position (GRCh38, 1-based): chr7:74,053,246, G>A. VCF-style: chr7-74053246-G-A. GRCh37 (hg19) VCF-style: chr7-73467576-G-A.
Other names: c.1003G>A, p.Gly335Ser (NM_001081752.3, NM_001278917.2); c.1048G>A, p.Gly350Ser (NM_001081753.3, NM_001081754.3); c.1033G>A, p.Gly345Ser (NM_001081755.3, NM_001278912.2, NM_001278915.2 and 1 more transcripts); c.925G>A, p.Gly309Ser (NM_001278913.2); c.1018G>A, p.Gly340Ser (NM_001278914.2); c.991G>A, p.Gly331Ser (NM_001278916.2); c.901G>A, p.Gly301Ser (NM_001278918.2); short protein forms G335S, G340S, G309S, G350S, G301S, G331S, G345S.
Identifiers: ClinVar variation 1393359 (VCV001393359.6), dbSNP rs2131923109, ClinGen allele CA367871906.